The following is an entry in ClinVar:

ClinVar aggregate classification (germline): Pathogenic; drug response. Review status: reviewed by expert panel (3 of 4 stars). 12 submissions from 11 submitters: Pathogenic (1). 10 of the submissions do not count toward it. Last evaluated 2021-03-24.

Conditions:
CFTR-related disorder (CFTR-RD). Also called: CFTR-related condition; CFTR-related disorders. Identifiers: MedGen C5924204, MONDO:7770004.
Cystic fibrosis (CF). Also called: MUCOVISCIDOSIS. Identifiers: Orphanet 586, MedGen C0010674, MONDO:0009061, OMIM 219700. Disease mechanism: loss of function.
Congenital bilateral aplasia of vas deferens from CFTR mutation (CBAVD). Identifiers: Orphanet 48, MedGen C0403814, MONDO:0010178, OMIM 277180. Disease mechanism: loss of function.
Bronchiectasis with or without elevated sweat chloride 1 (BESC1). Also called: Cystic Fibrosis-Like Syndrome. Identifiers: Orphanet 60033, MedGen C2749757, MONDO:0008887, OMIM 211400.
ivacaftor response - Efficacy. Identifiers: MedGen CN322735.

Allele frequency attached by ClinVar (database versions not stated): gnomAD exomes 0.00001; TOPMed 0.00001.

Submissions (12):

ClinPGx
Classification: drug response for ivacaftor response - Efficacy. Last evaluated: 2021-03-24. Review status: reviewed by expert panel. Criteria: Pharmacogenomics knowledge for personalized medicine. Collection method: curation. Allele origin: germline. Affected: yes.
Comment: PharmGKB Level of Evidence 1A: Level 1A clinical annotations describe variant-drug combinations that have variant-specific prescribing guidance available in a current clinical guideline annotation or an FDA-approved drug label annotation. Annotations of drug labels or clinical guidelines must give prescribing guidance for specific variants (e.g. CYP2C9*3, HLA-B*57:01) or provide mapping from defined allele functions to diplotypes and phenotypes to be used as supporting evidence for a level 1A clinical annotation. Level 1A clinical annotations must also be supported by at least one publication in addition to a clinical guideline or drug label with variant-specific prescribing guidance.

Drug is not necessarily used to treat response condition

CFTR2
Classification: Pathogenic for Cystic fibrosis. Last evaluated: 2017-03-17. Review status: reviewed by expert panel. Criteria: Sosnay PR et al. (Nat Genet 2013). Collection method: research. Allele origin: germline. Affected: yes. Study: CFTR2.

PreventionGenetics, part of Exact Sciences
Classification: Pathogenic for CFTR-related condition. Last evaluated: 2026-08-04. Review status: criteria provided, single submitter. Criteria: ACMG Guidelines, 2015. Collection method: clinical testing. Allele origin: germline. Not counted in ClinVar's aggregate classification.
Comment: The CFTR c.166G>A variant is predicted to result in the amino acid substitution p.Glu56Lys. This variant has been reported in individuals with congenital bilateral absence of vas deferens (CBAVD) or pancreatic sufficient, mild cystic fibrosis (Doerk et al. 1997. PubMed ID: 9272157; McCague et al. 2019. PubMed ID: 30888834). In vitro experimental studies suggest this variant results in decreased protein maturation, reduced chloride transport, and impaired channel gating (Van Goor et al. 2013. PubMed ID: 23891399; Veit et al. 2016. PubMed ID: 26823392; Bihler et al. 2024. PubMed ID: 38388235). This variant is reported in 0.0026% of alleles in individuals of European (non-Finnish) descent in gnomAD and has been classified as pathogenic by an expert panel in ClinVar (Variation ID: 53325). This variant is interpreted as pathogenic.

Ambry Genetics
Classification: Pathogenic for Cystic fibrosis. Last evaluated: 2025-12-31. Review status: criteria provided, single submitter. Criteria: Ambry Variant Classification Scheme 2023. Collection method: clinical testing. Allele origin: germline. Not counted in ClinVar's aggregate classification.
Comment: The p.E56K pathogenic mutation (also known as c.166G>A), located in coding exon 3 of the CFTR gene, results from a G to A substitution at nucleotide position 166. The glutamic acid at codon 56 is replaced by lysine, an amino acid with similar properties. This alteration has been observed once in a cohort of men with congenital absence of the vas deferens. The individual also had deltaF508 in trans with this variant and upon further evaluation also presented with elevated sweat chloride levels and recurrent lung infections (Dork T et al. Hum Genet.1997;100(3-4):365-377). In an assay testing CFTR function, this variant showed a functionally abnormal result (Bihler H et al. J Cyst Fibros, 2024 Jul;23:664-675). This variant has been reported in multiple individuals with an elevated sweat chloride level in The Clinical and Functional TRanslation of CFTR (CFTR2) database (available at CFTR2. Accessed 12/31/2025). This amino acid position is highly conserved in available vertebrate species. In addition, this alteration is predicted to be deleterious by in silico analysis. Based on the supporting evidence, this variant is interpreted as a disease-causing mutation.

Natera, Inc.
Classification: Likely pathogenic for CFTR-related disorders. Last evaluated: 2025-09-25. Review status: criteria provided, single submitter. Criteria: Natera Variant Classification Schema (03/2026). Collection method: clinical testing. Allele origin: germline. Not counted in ClinVar's aggregate classification.
Comment: The c.166G>A variant in CFTR is a missense variant predicted to cause substitution of glutamic acid to lysine at amino acid 56. This variant is rare in the general population with a frequency below the threshold expected for the associated phenotype(s). This variant has been observed in one or more individuals affected with the associated recessive disease, as either homozygous or compound heterozygous with a second variant (PMID: 33581080, 30888834, 24816901, 9272157). Functional studies show that this variant may disrupt protein function (PMID: 23891399). Computational prediction algorithms indicate this variant is likely to affect gene or protein function. Given the available evidence, this variant is classified as Likely Pathogenic.

Labcorp Genetics (formerly Invitae), Labcorp
Classification: Pathogenic for Cystic fibrosis. Last evaluated: 2024-01-25. Review status: criteria provided, single submitter. Criteria: Invitae Variant Classification Sherloc (09022015). Collection method: clinical testing. Allele origin: germline. Not counted in ClinVar's aggregate classification.
Comment: This sequence change replaces glutamic acid, which is acidic and polar, with lysine, which is basic and polar, at codon 56 of the CFTR protein (p.Glu56Lys). This variant is present in population databases (rs397508256, gnomAD 0.003%). This missense change has been observed in individual(s) with CFTR-related disorders (PMID: 9272157, 24816901, 26651825). In at least one individual the data is consistent with being in trans (on the opposite chromosome) from a pathogenic variant. ClinVar contains an entry for this variant (Variation ID: 53325). An algorithm developed to predict the effect of missense changes on protein structure and function (PolyPhen-2) suggests that this variant is likely to be tolerated. Experimental studies have shown that this missense change affects CFTR function (PMID: 23891399, 23924900). This variant disrupts the p.Glu56 amino acid residue in CFTR. Other variant(s) that disrupt this residue have been observed in individuals with CFTR-related conditions (PMID: 25910067), which suggests that this may be a clinically significant amino acid residue. For these reasons, this variant has been classified as Pathogenic.

Baylor Genetics
Classification: Pathogenic for Bronchiectasis with or without elevated sweat chloride 1. Last evaluated: 2023-11-22. Review status: criteria provided, single submitter. Criteria: ACMG Guidelines, 2015. Collection method: clinical testing. Allele origin: unknown. Not counted in ClinVar's aggregate classification.

Mayo Clinic Laboratories, Mayo Clinic
Classification: Pathogenic. Last evaluated: 2022-10-26. Review status: criteria provided, single submitter. Criteria: ACMG Guidelines, 2015. Collection method: clinical testing. Allele origin: germline. Observed: 1 variant allele. Not counted in ClinVar's aggregate classification.
Comment: PP5, PM2, PM3, PS3

CFTR-France
Classification: Pathogenic for cystic fibrosis; CFTR-related disorders. Last evaluated: 2018-03-09. Review status: criteria provided, single submitter. Criteria: Claustres M et al. (Hum Mutat 2017). Collection method: curation. Allele origin: germline. Affected: yes. Not counted in ClinVar's aggregate classification.
Comment: when the variant is in trans with another CF-causing variation, can either result in CF or in a CFTR-RD

Women's Health and Genetics/Laboratory Corporation of America, LabCorp
Classification: Likely pathogenic for Cystic fibrosis. Last evaluated: 2016-02-02. Review status: criteria provided, single submitter. Criteria: LabCorp Variant Classification Summary - May 2015. Collection method: clinical testing. Allele origin: germline. Not counted in ClinVar's aggregate classification.

Baylor Genetics
Classification: Pathogenic for Congenital bilateral aplasia of vas deferens from CFTR mutation; Cystic fibrosis. Review status: criteria provided, single submitter. Criteria: ACMG Guidelines, 2015. Collection method: clinical testing. Allele origin: germline. Not counted in ClinVar's aggregate classification.

Counsyl
Classification: Likely pathogenic for Cystic fibrosis. Last evaluated: 2017-10-06. Review status: no assertion criteria provided. Collection method: clinical testing. Allele origin: unknown. Not counted in ClinVar's aggregate classification.

Literature cited by the submitters: PubMed 23891399 (cited by 6 submitters); PubMed 23974870 (cited by Ambry Genetics); PubMed 38388235 (cited by Ambry Genetics); PubMed 9272157 (cited by 5 submitters); PubMed 33581080 (cited by Natera, Inc.); PubMed 30888834 (cited by Natera, Inc.); PubMed 24816901 (cited by 3 submitters); PubMed 26651825 (cited by Labcorp Genetics (formerly Invitae), Labcorp and Counsyl); PubMed 23924900 (cited by 3 submitters); PubMed 25910067 (cited by Labcorp Genetics (formerly Invitae), Labcorp); PubMed 26823392 (cited by Mayo Clinic Laboratories, Mayo Clinic); PubMed 25735457 (cited by Women's Health and Genetics/Laboratory Corporation of America, LabCorp).

NM_000492.4(CFTR):c.166G>A (p.Glu56Lys)

Genes: CFTR (CF transmembrane conductance regulator; plus strand), LOC113664106 (CFTR intron 2 DNase I hypersensitive site; plus strand). Cytogenetic location: 7q31.2.
Variant type: single nucleotide variant.
Coding change: c.166G>A on transcript NM_000492.4 (MANE Select); coding-DNA position 166, G replaced by A.
Protein change: p.Glu56Lys; replaces glutamic acid 56 with lysine.
Molecular consequence: missense variant.
Genome position (GRCh38, 1-based): chr7:117,509,035, G>A. VCF-style: chr7-117509035-G-A. GRCh37 (hg19) VCF-style: chr7-117149089-G-A.
Other names: short protein forms E56K.
Identifiers: ClinVar variation 53325 (VCV000053325.25), dbSNP rs397508256, ClinGen allele CA326588.